The following is an entry in ClinVar:

ClinVar aggregate classification (germline): Uncertain significance (1 of 4 stars; one submission).

Allele frequency attached by ClinVar (database versions not stated): gnomAD exomes below 0.00001.
gnomAD v4.1: 1 of 1,613,904 alleles (0.000062%); highest among the groups gnomAD compares: South Asian, 0.0011%; no homozygotes.

Submission:

Labcorp Genetics (formerly Invitae), Labcorp
Classification: Uncertain significance. Last evaluated: 2022-04-07. Review status: criteria provided, single submitter. Criteria: Invitae Variant Classification Sherloc (09022015). Collection method: clinical testing. Allele origin: germline.
Comment: This sequence change replaces phenylalanine, which is neutral and non-polar, with serine, which is neutral and polar, at codon 1294 of the NBAS protein (p.Phe1294Ser). This variant is not present in population databases (gnomAD no frequency). This variant has not been reported in the literature in individuals affected with NBAS-related conditions. Algorithms developed to predict the effect of missense changes on protein structure and function are either unavailable or do not agree on the potential impact of this missense change (SIFT: "Deleterious"; PolyPhen-2: "Benign"; Align-GVGD: "Class C65"). In summary, the available evidence is currently insufficient to determine the role of this variant in disease. Therefore, it has been classified as a Variant of Uncertain Significance.

NM_015909.4(NBAS):c.3881T>C (p.Phe1294Ser)

Gene: NBAS (NBAS subunit of NRZ tethering complex; minus strand). Cytogenetic location: 2p24.3.
Variant type: single nucleotide variant.
Coding change: c.3881T>C on transcript NM_015909.4 (MANE Select); coding-DNA position 3881, T replaced by C.
Protein change: p.Phe1294Ser; replaces phenylalanine 1294 with serine.
Molecular consequence: missense variant. On other transcripts: non-coding transcript variant (1).
Genome position (GRCh38, 1-based): chr2:15,356,353, A>G on the plus strand (T>C on the coding strand, the complement: NBAS is on the minus strand). VCF-style: chr2-15356353-A-G. GRCh37 (hg19) VCF-style: chr2-15496477-A-G.
Other names: short protein forms F1294S.
Identifiers: ClinVar variation 2122704 (VCV002122704.4), dbSNP rs2528600375, ClinGen allele CA345892187.